The following is an entry in ClinVar:

ClinVar aggregate classification (germline): Likely pathogenic. Review status: criteria provided, multiple submitters, no conflicts (2 of 4 stars). 2 submissions from 2 submitters: Likely pathogenic (2). Last evaluated 2024-11-06.

Conditions:
TUBB2B-related disorder. Also called: TUBB2B-related condition.

Submissions (2):

GeneDx
Classification: Likely pathogenic. Last evaluated: 2024-11-06. Review status: criteria provided, single submitter. Criteria: GeneDx Variant Classification Process June 2021. Collection method: clinical testing. Allele origin: germline. Affected: yes.
Comment: Identified in a patient with polymicrogyria, thin corpus callosum, irregular surface of cerebellar hemisphere, hypoplstic vermis, and small pons, however, familial segregation studies were not completed (PMID: 37486637); Not observed at significant frequency in large population cohorts (gnomAD); Missense variants in this gene are a common cause of disease and they are underrepresented in the general population; In silico analysis indicates that this missense variant does not alter protein structure/function; This variant is associated with the following publications: (PMID: 24860126, 37486637)

Blueprint Genetics
Classification: Likely pathogenic for TUBB2B-related disorders. Last evaluated: 2021-09-22. Review status: criteria provided, single submitter. Criteria: ACMG Guidelines, 2015. Collection method: clinical testing. Allele origin: de novo. Affected: yes. Observed: 1 variant allele.

NM_178012.5(TUBB2B):c.32A>T (p.Gln11Leu)

Gene: TUBB2B (tubulin beta 2B class IIb; minus strand). Cytogenetic location: 6p25.2.
Variant type: single nucleotide variant.
Coding change: c.32A>T on transcript NM_178012.5 (MANE Select); coding-DNA position 32, A replaced by T.
Protein change: p.Gln11Leu; replaces glutamine 11 with leucine.
Molecular consequence: missense variant.
Genome position (GRCh38, 1-based): chr6:3,227,512, T>A on the plus strand (A>T on the coding strand, the complement: TUBB2B is on the minus strand). VCF-style: chr6-3227512-T-A. GRCh37 (hg19) VCF-style: chr6-3227746-T-A.
Other names: short protein forms Q11L.
Identifiers: ClinVar variation 3898909 (VCV003898909.2).